The following is an entry in ClinVar:

NM_017654.4(SAMD9):c.2690T>C (p.Ile897Thr)

Gene: SAMD9 (sterile alpha motif domain containing 9; minus strand). Cytogenetic location: 7q21.2.
Variant type: single nucleotide variant.
Coding change: c.2690T>C on transcript NM_017654.4 (MANE Select); coding-DNA position 2690, T replaced by C.
Protein change: p.Ile897Thr; replaces isoleucine 897 with threonine.
Molecular consequence: missense variant.
Genome position (GRCh38, 1-based): chr7:93,103,408, A>G on the plus strand (T>C on the coding strand, the complement: SAMD9 is on the minus strand). VCF-style: chr7-93103408-A-G. GRCh37 (hg19) VCF-style: chr7-92732721-A-G.
Other names: c.2690T>C, p.Ile897Thr (NM_001193307.2); c.2690T>C (NM_017654.3); short protein forms I897T.
Identifiers: ClinVar variation 1910636 (VCV001910636.6), dbSNP rs1791572340, ClinGen allele CA368189756.
Genomic context (GRCh38, chr7:93,103,408, plus strand): 5'-AGCTTTGCTTCCTTGGTGAAAATATTCTGCCCTTTCAGGATATTCCGGACCACATTTTCT[A>G]TGTATTCTTTATTAAAATTGGTTTTCATGATCATAAAGGAATAAAAATCCTCAAAGTTTT-3'
Protein context (NP_060124.2, residues 887-907): IMKTNFNKEY[Ile897Thr]ENVVRNILKG

ClinVar aggregate classification (germline): Uncertain significance. Review status: criteria provided, multiple submitters, no conflicts (2 of 4 stars). 2 submissions from 2 submitters: Uncertain significance (2). Last evaluated 2025-06-29.

Conditions:
Inborn genetic diseases. Identifiers: MedGen C0950123, MeSH D030342.

Allele frequency attached by ClinVar (database versions not stated): gnomAD exomes 0.00001; TOPMed 0.00001.

Submissions (2):

Labcorp Genetics (formerly Invitae), Labcorp
Classification: Uncertain significance. Last evaluated: 2025-06-29. Review status: criteria provided, single submitter. Criteria: Invitae Variant Classification Sherloc (09022015). Collection method: clinical testing. Allele origin: germline.
Comment: This sequence change replaces isoleucine, which is neutral and non-polar, with threonine, which is neutral and polar, at codon 897 of the SAMD9 protein (p.Ile897Thr). This variant is not present in population databases (gnomAD no frequency). This variant has not been reported in the literature in individuals affected with SAMD9-related conditions. ClinVar contains an entry for this variant (Variation ID: 1910636). Invitae Evidence Modeling of protein sequence and biophysical properties (such as structural, functional, and spatial information, amino acid conservation, physicochemical variation, residue mobility, and thermodynamic stability) has been performed for this missense variant. However, the output from this modeling did not meet the statistical confidence thresholds required to predict the impact of this variant on SAMD9 protein function. In summary, the available evidence is currently insufficient to determine the role of this variant in disease. Therefore, it has been classified as a Variant of Uncertain Significance.

Ambry Genetics
Classification: Uncertain significance for Inborn genetic diseases. Last evaluated: 2024-10-02. Review status: criteria provided, single submitter. Criteria: Ambry Variant Classification Scheme 2023. Collection method: clinical testing. Allele origin: germline.
Comment: The p.I897T variant (also known as c.2690T>C), located in coding exon 1 of the SAMD9 gene, results from a T to C substitution at nucleotide position 2690. The isoleucine at codon 897 is replaced by threonine, an amino acid with similar properties. This amino acid position is conserved. In addition, the in silico prediction for this alteration is inconclusive. Based on the available evidence, the clinical significance of this variant remains unclear.